The following is an entry in ClinVar:

NM_001103.4(ACTN2):c.22G>T (p.Val8Leu)

Gene: ACTN2 (actinin alpha 2; plus strand). Cytogenetic location: 1q43.
Variant type: single nucleotide variant.
Coding change: c.22G>T on transcript NM_001103.4 (MANE Select); coding-DNA position 22, G replaced by T.
Protein change: p.Val8Leu; replaces valine 8 with leucine.
Molecular consequence: missense variant. On other transcripts: non-coding transcript variant (1).
Genome position (GRCh38, 1-based): chr1:236,686,695, G>T. VCF-style: chr1-236686695-G-T. GRCh37 (hg19) VCF-style: chr1-236849995-G-T.
Other names: c.22G>T, p.Val8Leu (NM_001278343.2); c.-800G>T (NM_001278344.2); c.-925G>T (NM_001412150.1); short protein forms V8L.
Identifiers: ClinVar variation 2447695 (VCV002447695.2), dbSNP rs551141480, ClinGen allele CA345358094.

ClinVar aggregate classification (germline): Uncertain significance (1 of 4 stars; one submission).

Conditions:
Cardiovascular phenotype. Identifiers: MedGen CN230736.

gnomAD v4.1: 1 of 1,566,542 alleles (0.000064%); highest among the groups gnomAD compares: Admixed American, 0.0018%; no homozygotes.

Submission:

Ambry Genetics
Classification: Uncertain significance for Cardiovascular phenotype. Last evaluated: 2023-02-16. Review status: criteria provided, single submitter. Criteria: Ambry Variant Classification Scheme 2023. Collection method: clinical testing. Allele origin: germline.
Comment: The p.V8L variant (also known as c.22G>T), located in coding exon 1 of the ACTN2 gene, results from a G to T substitution at nucleotide position 22. The valine at codon 8 is replaced by leucine, an amino acid with highly similar properties. This amino acid position is conserved. In addition, this alteration is predicted to be tolerated by in silico analysis. Since supporting evidence is limited at this time, the clinical significance of this alteration remains unclear.